The following is an entry in ClinVar:

NM_001371333.1(DIABLO):c.710G>A (p.Arg237His)

Genes: B3GNT4 (UDP-GlcNAc:betaGal beta-1,3-N-acetylglucosaminyltransferase 4; plus strand), DIABLO (diablo IAP-binding mitochondrial protein; minus strand). Cytogenetic location: 12q24.31.
Variant type: single nucleotide variant.
Coding change: c.710G>A on transcript NM_001371333.1 (MANE Select); coding-DNA position 710, G replaced by A.
Protein change: p.Arg237His; replaces arginine 237 with histidine.
Molecular consequence: missense variant. On other transcripts: 3 prime UTR variant (2).
Genome position (GRCh38, 1-based): chr12:122,208,391, C>T on the plus strand (G>A on the coding strand, the complement: DIABLO is on the minus strand). VCF-style: chr12-122208391-C-T. GRCh37 (hg19) VCF-style: chr12-122692938-C-T.
Other names: c.419G>A, p.Arg140His (NM_001278302.1); c.491G>A, p.Arg164His (NM_001278303.1); c.551G>A, p.Arg184His (NM_001278304.2, NM_138930.3); c.578G>A, p.Arg193His (NM_001278342.1); c.710G>A, p.Arg237His (NM_019887.6); c.*1003C>T (NM_001330492.2, NM_030765.4); c.710G>A (NM_019887.5, NM_019887.4); short protein forms R184H, R193H, R164H, R237H, R140H.
Identifiers: ClinVar variation 2884548 (VCV002884548.5), dbSNP rs551079634, ClinGen allele CA6843749.
Genomic context (GRCh38, chr12:122,208,391, plus strand): 5'-GCCCCTGCTTTCCCCACTGAGTGGGGAGACAGGGCAGTGTGCTCAGGCCCTCAATCCTCA[C>T]GCAGGTAGGCCTCCTGCTCCGACTCAGCCCGCTCCTCCCCTTCCTCCTGTGTTTTCTGAC-3'
Protein context (NP_001358262.1, residues 227-239): RAESEQEAYL[Arg237His]ED

ClinVar aggregate classification (germline): Uncertain significance. Review status: criteria provided, multiple submitters, no conflicts (2 of 4 stars). 3 submissions from 3 submitters: Uncertain significance (3). Last evaluated 2026-09-02.

Conditions:
DIABLO-related disorder. Also called: DIABLO-related condition.

Allele frequency attached by ClinVar (database versions not stated): gnomAD 0.00010; ExAC 0.00011; 1000 Genomes Project 30x 0.00016; 1000 Genomes Project 0.00020.
gnomAD v4.1: 86 of 1,612,434 alleles (0.0053%); highest among the groups gnomAD compares: South Asian, 0.064%; 1 homozygote.

Submissions (3):

PreventionGenetics, part of Exact Sciences
Classification: Uncertain significance for DIABLO-related condition. Last evaluated: 2026-09-02. Review status: criteria provided, single submitter. Criteria: ACMG Guidelines, 2015. Collection method: clinical testing. Allele origin: germline.
Comment: The DIABLO c.710G>A variant is predicted to result in the amino acid substitution p.Arg237His. To our knowledge, this variant has not been reported in the literature. This variant is reported in 0.046% of alleles in individuals of South Asian descent in gnomAD. At this time, the clinical significance of this variant is uncertain due to the absence of conclusive functional and genetic evidence.

Ambry Genetics
Classification: Uncertain significance. Last evaluated: 2025-01-24. Review status: criteria provided, single submitter. Criteria: Ambry Variant Classification Scheme 2023. Collection method: clinical testing. Allele origin: germline.

Labcorp Genetics (formerly Invitae), Labcorp
Classification: Uncertain significance. Last evaluated: 2022-11-21. Review status: criteria provided, single submitter. Criteria: Invitae Variant Classification Sherloc (09022015). Collection method: clinical testing. Allele origin: germline.
Comment: In summary, the available evidence is currently insufficient to determine the role of this variant in disease. Therefore, it has been classified as a Variant of Uncertain Significance. Algorithms developed to predict the effect of missense changes on protein structure and function are either unavailable or do not agree on the potential impact of this missense change (SIFT: "Deleterious"; PolyPhen-2: "Possibly Damaging"; Align-GVGD: "Class C0"). This variant has not been reported in the literature in individuals affected with DIABLO-related conditions. This variant is present in population databases (rs551079634, gnomAD 0.05%), and has an allele count higher than expected for a pathogenic variant. This sequence change replaces arginine, which is basic and polar, with histidine, which is basic and polar, at codon 237 of the DIABLO protein (p.Arg237His).